The following is an entry in ClinVar:

ClinVar aggregate classification (germline): Uncertain significance (1 of 4 stars; one submission).

Conditions:
Cranioectodermal dysplasia 4 (CED4). Identifiers: Orphanet 1515, MedGen C3280616, MONDO:0013719, OMIM 614378.

Submission:

Institute of Medical Genetics and Genomics, Sir Ganga Ram Hospital
Classification: Uncertain significance for Cranioectodermal dysplasia 4. Last evaluated: 2023-06-21. Review status: criteria provided, single submitter. Criteria: ACMG Guidelines, 2015. Collection method: clinical testing. Allele origin: germline. Inheritance: Autosomal recessive inheritance. Affected: yes. Observed: 1 compound heterozygote.
Comment: This variant has not been found in gnomAD aggregate or ExAc. This variant has been identified in compound heterozygous state with c.2887C>T (p.Gln963*) variant.

NM_025132.4(WDR19):c.98+5G>T

Gene: WDR19 (WD repeat domain 19; plus strand). Cytogenetic location: 4p14.
Variant type: single nucleotide variant.
Coding change: c.98+5G>T on transcript NM_025132.4 (MANE Select); 5 bases into the intron after coding-DNA position 98, G replaced by T.
Molecular consequence: intron variant.
Genome position (GRCh38, 1-based): chr4:39,185,822, G>T. VCF-style: chr4-39185822-G-T. GRCh37 (hg19) VCF-style: chr4-39187442-G-T.
Other names: c.-267+5G>T (NM_001317924.2).
Identifiers: ClinVar variation 2506392 (VCV002506392.2), dbSNP rs2474999448, ClinGen allele CA2580616085.